The following is an entry in ClinVar:

NM_001370259.2(MEN1):c.636T>G (p.Asn212Lys)

Gene: MEN1 (menin 1; minus strand). Cytogenetic location: 11q13.1.
Variant type: single nucleotide variant.
Coding change: c.636T>G on transcript NM_001370259.2 (MANE Select); coding-DNA position 636, T replaced by G.
Protein change: p.Asn212Lys; replaces asparagine 212 with lysine.
Molecular consequence: missense variant. On other transcripts: intron variant (5), non-coding transcript variant (4).
Genome position (GRCh38, 1-based): chr11:64,807,909, A>C on the plus strand (T>G on the coding strand, the complement: MEN1 is on the minus strand). VCF-style: chr11-64807909-A-C. GRCh37 (hg19) VCF-style: chr11-64575381-A-C.
Other names: c.549+87T>G (NM_001370263.2, NM_001370262.2, NM_001407148.1 and 2 more transcripts); c.651T>G, p.Asn217Lys (NM_000244.4, NM_001407145.1, NM_001407150.1 and 5 more transcripts); c.636T>G, p.Asn212Lys (NM_001370251.2, NM_001370260.2, NM_001370261.2 and 7 more transcripts); short protein forms N212K, N217K.
Identifiers: ClinVar variation 3073706 (VCV003073706.1), dbSNP rs2136149241, ClinGen allele CA381185345.

ClinVar aggregate classification (germline): Uncertain significance (1 of 4 stars; one submission).

Conditions:
Multiple endocrine neoplasia, type 1 (MEN1). Also called: MEN I; WERMER SYNDROME; Endocrine adenomatosis multiple; MEN 1; MEA I. Identifiers: Orphanet 652, MedGen C0025267, MeSH D018761, MONDO:0007540, OMIM 131100.

Submission:

All of Us Research Program, National Institutes of Health
Classification: Uncertain significance for Multiple endocrine neoplasia, type 1. Last evaluated: 2023-10-06. Review status: criteria provided, single submitter. Criteria: ACMG Guidelines, 2015. Collection method: clinical testing. Allele origin: germline. Inheritance: Autosomal dominant inheritance. Observed: 1 variant allele, 1 heterozygote.
Comment: This missense variant replaces asparagine with lysine at codon 212 of the MEN1 protein. Computational prediction suggests that this variant may not impact protein structure and function (internally defined REVEL score threshold <= 0.5, PMID: 27666373). To our knowledge, functional studies have not been reported for this variant. This variant has not been reported in individuals affected with MEN1-related disorders in the literature. This variant has not been identified in the general population by the Genome Aggregation Database (gnomAD). The available evidence is insufficient to determine the role of this variant in disease conclusively. Therefore, this variant is classified as a Variant of Uncertain Significance.

This study involves interpretation of variants in research participants for the purpose of population health screening. Participant phenotype was not available at the time of variant classification. Additional details can be found in publication PMID: 35346344, PMCID: PMC8962531